The following is an entry in ClinVar:

NM_001844.5(COL2A1):c.770C>G (p.Ala257Gly)

Gene: COL2A1 (collagen type II alpha 1 chain; minus strand). Cytogenetic location: 12q13.11.
Variant type: single nucleotide variant.
Coding change: c.770C>G on transcript NM_001844.5 (MANE Select); coding-DNA position 770, C replaced by G.
Protein change: p.Ala257Gly; replaces alanine 257 with glycine.
Molecular consequence: missense variant.
Genome position (GRCh38, 1-based): chr12:47,994,470, G>C on the plus strand (C>G on the coding strand, the complement: COL2A1 is on the minus strand). VCF-style: chr12-47994470-G-C. GRCh37 (hg19) VCF-style: chr12-48388253-G-C.
Other names: c.563C>G, p.Ala188Gly (NM_033150.3); short protein forms A188G, A257G.
Identifiers: ClinVar variation 2504655 (VCV002504655.1), dbSNP rs2540170588, ClinGen allele CA384522491.
Genomic context (GRCh38, chr12:47,994,470, plus strand): 5'-ACGGTGGCGTTTACCTGAGGACCAGGCGGACCCCTTTCACCAGCTTTTCCAGGTTTTCCA[G>C]CTTCACCCTGAAGGGAGAGAGAGAGATATCCCAGCTTCCTCAGAGACGCAGTAGCATAGT-3'
Protein context (NP_001835.3, residues 247-267): PPGKPGDDGE[Ala257Gly]GKPGKAGERG

ClinVar aggregate classification (germline): Uncertain significance (1 of 4 stars; one submission).

Submission:

GeneDx
Classification: Uncertain significance. Last evaluated: 2022-12-12. Review status: criteria provided, single submitter. Criteria: GeneDx Variant Classification Process June 2021. Collection method: clinical testing. Allele origin: germline. Affected: yes.
Comment: Not observed at significant frequency in large population cohorts (gnomAD); Occurs in the triple helical domain at the Y position in the canonical Gly-X-Y repeat; although this variant may have an effect on normal protein folding and function, missense substitution at the Y position is not a common mechanism of disease (HGMD); In silico analysis supports that this missense variant does not alter protein structure/function; Has not been previously published as pathogenic or benign to our knowledge